The following is an entry in ClinVar:

ClinVar aggregate classification (germline): Uncertain significance (1 of 4 stars; one submission).

Conditions:
Primary ciliary dyskinesia 9. Also called: CILIARY DYSKINESIA, PRIMARY, 9, WITH OR WITHOUT SITUS INVERSUS. Identifiers: Orphanet 244, MedGen C2676235, MONDO:0012906, OMIM 612444.

gnomAD v4.1: 8 of 1,614,056 alleles (0.0005%); highest among the groups gnomAD compares: South Asian, 0.0011%; no homozygotes.

Submission:

Myriad Genetics, Inc.
Classification: Uncertain significance for Primary ciliary dyskinesia 9. Last evaluated: 2025-11-04. Review status: criteria provided, single submitter. Criteria: Myriad Autosomal Dominant, Autosomal Recessive and X-Linked Classification Criteria (2023). Collection method: clinical testing. Allele origin: unknown.
Comment: NM_023036.4(DNAI2):c.184-14G>A is an intronic variant classified as a variant of uncertain significance in the context of primary ciliary dyskinesia, DNAI2-related. c.184-14G>A has been observed in a case with relevant disease (PMID: 32253119). Relevant functional assessments of this variant are not available in the literature. c.184-14G>A has been observed in referenced population frequency databases. In summary, there is insufficient evidence to classify NM_023036.4(DNAI2):c.184-14G>A as pathogenic or benign. Please note: this variant was assessed in the context of healthy population screening.

Literature cited by the submitters: PubMed 32253119.

NM_023036.6(DNAI2):c.184-14G>A

Gene: DNAI2 (dynein axonemal intermediate chain 2; plus strand). Cytogenetic location: 17q25.1.
Variant type: single nucleotide variant.
Coding change: c.184-14G>A on transcript NM_023036.6 (MANE Select); 14 bases into the intron before coding-DNA position 184, G replaced by A.
Molecular consequence: intron variant.
Genome position (GRCh38, 1-based): chr17:74,285,026, G>A. VCF-style: chr17-74285026-G-A. GRCh37 (hg19) VCF-style: chr17-72281165-G-A.
Other names: c.184-14G>A (NM_001353167.2, NM_001172810.3).
Identifiers: ClinVar variation 5003344 (VCV005003344.1).